The following is an entry in ClinVar:

ClinVar aggregate classification (germline): Uncertain significance (1 of 4 stars; one submission).

Allele frequency attached by ClinVar (database versions not stated): ExAC 0.00002; gnomAD exomes 0.00003.
gnomAD v4.1: 38 of 1,614,082 alleles (0.0024%); highest among the groups gnomAD compares: Non-Finnish European, 0.0031%; no homozygotes.

Submission:

Labcorp Genetics (formerly Invitae), Labcorp
Classification: Uncertain significance. Last evaluated: 2022-10-24. Review status: criteria provided, single submitter. Criteria: Invitae Variant Classification Sherloc (09022015). Collection method: clinical testing. Allele origin: germline.
Comment: This sequence change replaces alanine, which is neutral and non-polar, with glycine, which is neutral and non-polar, at codon 2922 of the VCAN protein (p.Ala2922Gly). This variant is present in population databases (rs762919392, gnomAD 0.002%). This variant has not been reported in the literature in individuals affected with VCAN-related conditions. Algorithms developed to predict the effect of missense changes on protein structure and function are either unavailable or do not agree on the potential impact of this missense change (SIFT: "Deleterious"; PolyPhen-2: "Benign"; Align-GVGD: "Class C0"). In summary, the available evidence is currently insufficient to determine the role of this variant in disease. Therefore, it has been classified as a Variant of Uncertain Significance.

NM_004385.5(VCAN):c.8765C>G (p.Ala2922Gly)

Genes: VCAN (versican; plus strand), VCAN-AS1 (VCAN antisense RNA 1; minus strand). Cytogenetic location: 5q14.3.
Variant type: single nucleotide variant.
Coding change: c.8765C>G on transcript NM_004385.5 (MANE Select); coding-DNA position 8765, C replaced by G.
Protein change: p.Ala2922Gly; replaces alanine 2922 with glycine.
Molecular consequence: missense variant. On other transcripts: intron variant (2).
Genome position (GRCh38, 1-based): chr5:83,541,768, C>G. VCF-style: chr5-83541768-C-G. GRCh37 (hg19) VCF-style: chr5-82837587-C-G.
Other names: c.5804C>G, p.Ala1935Gly (NM_001164097.2); c.4004-3769C>G (NM_001164098.2); c.1043-3769C>G (NM_001126336.3); short protein forms A1935G, A2922G.
Identifiers: ClinVar variation 1926825 (VCV001926825.5), dbSNP rs762919392, ClinGen allele CA3333859.
Genomic context (GRCh38, chr5:83,541,768, plus strand): 5'-AAGATGATGGTAAACCTGAGTTATTAGAAGAAATGGAAGCTTCTCCCACAGAACTTATTG[C>G]TGTGGAAGGAACTGAGATTCTCCAAGATTTCCAAAACAAAACCGATGGTCAAGTTTCTGG-3'
Protein context (NP_004376.2, residues 2912-2932): EMEASPTELI[Ala2922Gly]VEGTEILQDF